The following is an entry in ClinVar:

ClinVar aggregate classification (germline): Benign/Likely benign. Review status: criteria provided, multiple submitters, no conflicts (2 of 4 stars). 6 submissions from 6 submitters: Benign (1); Likely benign (2). 3 of the submissions do not count toward it. Last evaluated 2025-12-26.

Conditions:
VCAN-related disorder. Also called: VCAN-related condition.
Inborn genetic diseases. Identifiers: MedGen C0950123, MeSH D030342.

Allele frequency attached by ClinVar (database versions not stated): gnomAD exomes 0.00043; ExAC 0.00051; gnomAD 0.00119 and 0.00128; ESP Exome Variant Server 0.00123; TOPMed 0.00153; 1000 Genomes Project 30x 0.00172; 1000 Genomes Project 0.00180.
gnomAD v4.1: 403 of 1,614,082 alleles (0.025%); highest among the groups gnomAD compares: African/African-American, 0.48%; 2 homozygotes.

Submissions (6):

Labcorp Genetics (formerly Invitae), Labcorp
Classification: Benign. Last evaluated: 2025-12-26. Review status: criteria provided, single submitter. Criteria: Invitae Variant Classification Sherloc (09022015). Collection method: clinical testing. Allele origin: germline.

Blueprint Genetics
Classification: Likely benign. Last evaluated: 2024-08-30. Review status: criteria provided, single submitter. Criteria: ACMG Guidelines, 2015. Collection method: clinical testing. Allele origin: germline.

Ambry Genetics
Classification: Likely benign for Inborn genetic diseases. Last evaluated: 2023-12-09. Review status: criteria provided, single submitter. Criteria: Ambry Variant Classification Scheme 2023. Collection method: clinical testing. Allele origin: germline.

PreventionGenetics, part of Exact Sciences
Classification: Benign for VCAN-related condition. Last evaluated: 2019-06-03. Review status: no assertion criteria provided. Collection method: clinical testing. Allele origin: germline. Not counted in ClinVar's aggregate classification.
Comment: This variant is classified as benign based on ACMG/AMP sequence variant interpretation guidelines (Richards et al. 2015 PMID: 25741868, with internal and published modifications).

Clinical Genetics DNA and cytogenetics Diagnostics Lab, Erasmus MC, Erasmus Medical Center
Classification: Likely benign. Review status: no assertion criteria provided. Collection method: clinical testing. Allele origin: germline. Affected: yes. Study: VKGL Data-share Consensus. Not counted in ClinVar's aggregate classification.

Clinical Genetics, Academic Medical Center
Classification: Benign. Review status: no assertion criteria provided. Collection method: clinical testing. Allele origin: germline. Affected: yes. Study: VKGL Data-share Consensus. Not counted in ClinVar's aggregate classification.

NM_004385.5(VCAN):c.2666C>T (p.Thr889Ile)

Gene: VCAN (versican; plus strand). Cytogenetic location: 5q14.3.
Variant type: single nucleotide variant.
Coding change: c.2666C>T on transcript NM_004385.5 (MANE Select); coding-DNA position 2666, C replaced by T.
Protein change: p.Thr889Ile; replaces threonine 889 with isoleucine.
Molecular consequence: missense variant. On other transcripts: intron variant (2).
Genome position (GRCh38, 1-based): chr5:83,520,972, C>T. VCF-style: chr5-83520972-C-T. GRCh37 (hg19) VCF-style: chr5-82816791-C-T.
Other names: c.2666C>T, p.Thr889Ile (NM_001164098.2); c.1042+8576C>T (NM_001164097.2, NM_001126336.3); c.2666C>T (NM_004385.4); short protein forms T889I.
Identifiers: ClinVar variation 1167700 (VCV001167700.16), dbSNP rs149153726, ClinGen allele CA3332876.